The following is an entry in ClinVar:

ClinVar aggregate classification (germline): Likely pathogenic (1 of 4 stars; one submission).

Conditions:
Hereditary insensitivity to pain with anhidrosis (CIPA). Also called: INSENSITIVITY TO PAIN, CONGENITAL, WITH ANHIDROSIS; hereditary sensory and autonomic neuropathy type 4; FAMILIAL DYSAUTONOMIA, TYPE II; NEUROPATHY, CONGENITAL SENSORY, WITH ANHIDROSIS; NTRK1 Congenital Insensitivity to Pain with Anhidrosis; HSAN Type IV. Identifiers: Orphanet 642, MedGen C0020074, MONDO:0009746, OMIM 256800.

Submission:

Natera, Inc.
Classification: Likely pathogenic for Hereditary insensitivity to pain with anhidrosis. Last evaluated: 2024-04-18. Review status: criteria provided, single submitter. Criteria: Natera Variant Classification Schema (03/2026). Collection method: clinical testing. Allele origin: germline.
Comment: The c.2166G>A variant in NTRK1 is a nonsense variant predicted to introduce a stop codon at amino acid 722. This variant is expected to result in nonsense mediated decay, truncation, or a dysfunctional protein product. This variant is rare in the general population with a frequency below the threshold expected for the associated phenotype(s). Given the available evidence, this variant is classified as Likely Pathogenic.

NM_002529.4(NTRK1):c.2184G>A (p.Trp728Ter)

Gene: NTRK1 (neurotrophic receptor tyrosine kinase 1; plus strand). Cytogenetic location: 1q23.1.
Variant type: single nucleotide variant.
Coding change: c.2184G>A on transcript NM_002529.4 (MANE Select); coding-DNA position 2184, G replaced by A.
Protein change: p.Trp728Ter; replaces tryptophan 728 with a stop codon.
Molecular consequence: nonsense.
Genome position (GRCh38, 1-based): chr1:156,880,136, G>A. VCF-style: chr1-156880136-G-A. GRCh37 (hg19) VCF-style: chr1-156849928-G-A.
Other names: c.2076G>A, p.Trp692Ter (NM_001007792.1); c.2166G>A, p.Trp722Ter (NM_001012331.2); short protein forms W692*, W722*, W728*.
Identifiers: ClinVar variation 4814514 (VCV004814514.1).
Genomic context (GRCh38, chr1:156,880,136, plus strand): 5'-CGACGTGTGGAGCTTCGGCGTGGTGCTCTGGGAGATCTTCACCTACGGCAAGCAGCCCTG[G>A]TACCAGCTCTCCAACACGGAGGTCAGCCCCGGCCCATGGTCACCCCTTGCTGGCCTCCCC-3'